The following is an entry in ClinVar:

NM_001001548.3(CD36):c.268C>T (p.Pro90Ser)

Gene: CD36 (CD36 molecule (CD36 blood group); plus strand). Cytogenetic location: 7q21.11.
Variant type: single nucleotide variant.
Coding change: c.268C>T on transcript NM_001001548.3 (MANE Select); coding-DNA position 268, C replaced by T.
Protein change: p.Pro90Ser; replaces proline 90 with serine.
Molecular consequence: missense variant. On other transcripts: 5 prime UTR variant (1), non-coding transcript variant (1), intron variant (1).
Genome position (GRCh38, 1-based): chr7:80,656,687, C>T. VCF-style: chr7-80656687-C-T. GRCh37 (hg19) VCF-style: chr7-80286003-C-T.
Other names: c.268C>T, p.Pro90Ser (NM_000072.3, NM_001001547.3, NM_001127443.2 and 7 more transcripts); c.40C>T, p.Pro14Ser (NM_001289911.2); c.166C>T, p.Pro56Ser (NM_001371079.1); c.-215C>T (NM_001371081.1); c.-184-4376C>T (NM_001371080.1); short protein forms P90S, P14S, P56S.
Identifiers: ClinVar variation 13535 (VCV000013535.21), dbSNP rs75326924, ClinGen allele CA123185.
Genomic context (GRCh38, chr7:80,656,687, plus strand): 5'-GTGCAAAATCCACAGGAAGTGATGATGAACAGCAGCAACATTCAAGTTAAGCAAAGAGGT[C>T]CTTATACGTACAGGTGAGTGAGTCCCCACAAATATGAGACACTCTTACCTTGACCATGTA-3'
Protein context (NP_001001548.1, residues 80-100): SSNIQVKQRG[Pro90Ser]YTYRVRFLAK

ClinVar aggregate classification (germline): Conflicting classifications of pathogenicity. Review status: criteria provided, conflicting classifications (1 of 4 stars). 10 submissions from 10 submitters: Pathogenic (4); Likely pathogenic (3); Uncertain significance (1). 2 of the submissions do not count toward it. Last evaluated 2026-01-05.

Conditions:
Inherited bleeding disorder, platelet-type. Also called: Platelet disorder; Platelet-type bleeding disorder. Identifiers: Orphanet 248326, MedGen C0005818, MeSH D001791, MONDO:0000009.
Platelet-type bleeding disorder 10. Also called: CD36 DEFICIENCY. Identifiers: MedGen C1842090, MONDO:0012031, OMIM 608404.

Allele frequency attached by ClinVar (database versions not stated): gnomAD 0.00011 and 0.00033; gnomAD exomes 0.00114 and 0.00092; ExAC 0.00134; 1000 Genomes Project 0.00200; TOPMed 0.00012; 1000 Genomes Project 30x 0.00156.
gnomAD v4.1: 1,351 of 1,613,448 alleles (0.084%); highest among the groups gnomAD compares: East Asian, 3%; 38 homozygotes.

Submissions (10):

3billion
Classification: Pathogenic for Platelet-type bleeding disorder 10. Last evaluated: 2026-01-05. Review status: criteria provided, single submitter. Criteria: ACMG Guidelines, 2015. Collection method: clinical testing. Allele origin: germline. Affected: yes.
Comment: The variant is observed at an extremely low frequency in the gnomAD v4.1.0 dataset (total allele frequency: 0.084%). Predicted Consequence/Location: Missense variant. The majority of the known disease-causing variants of this gene are variants expected to result in premature termination of the protein. In silico tool predictions suggest damaging effect of the variant on gene or gene product [REVEL: 0.94 (>=0.6, sensitivity 0.68 and specificity 0.92); 3Cnet: 0.92 (> 0.75, sensitivity 0.96 and precision 0.92)]. The same nucleotide change resulting in the same amino acid change has been previously reported as pathogenic/likely pathogenic with strong evidence (ClinVar ID: VCV000013535 /PMID: 7686693). The variant has been observed in at least two similarly affected unrelated individuals (PMID: 11352982, 25798958). The variant has been reported to co-segregate with the disease in at least one similarly affected relative/individual in the same family or similarly affected unrelated families (PMID: 11950861, 24917573). Therefore, this variant is classified as Pathogenic according to the recommendation of ACMG/AMP guideline.

Dasa
Classification: Pathogenic. Last evaluated: 2025-11-10. Review status: criteria provided, single submitter. Criteria: DASA Assertion Criteria. Collection method: clinical testing. Allele origin: germline.
Comment: NM_001001548.3(CD36):c.268C>T (p.Pro90Ser) is a missense variant that results in the substitution of proline with serine. This variant has been observed in affected individuals with related phenotype in a genotype context consistent with recessive disease (PMID: 25798958; PMID: 11499670; PMID: 7533783). Functional evidence supports a deleterious effect on the gene or gene product (PMID: 25798958; PMID: 11499670; PMID: 7533783). This variant has been recurrently observed in individuals with related phenotype (PMID: 25798958; PMID: 11499670; PMID: 7533783). Multiple computational predictions support a deleterious effect on the gene or gene product. The variant is present at low frequency in population datasets. Based on the available data, this variant is classified as pathogenic.

Women's Health and Genetics/Laboratory Corporation of America, LabCorp
Classification: Uncertain significance. Last evaluated: 2023-08-08. Review status: criteria provided, single submitter. Criteria: LabCorp Variant Classification Summary - May 2015. Collection method: clinical testing. Allele origin: germline.
Comment: Variant summary: CD36 c.268C>T (p.Pro90Ser) results in a non-conservative amino acid change in the encoded protein sequence. Five of five in-silico tools predict a damaging effect of the variant on protein function. The variant allele was found at a frequency of 0.0011 in 250710 control chromosomes, predominantly at a frequency of 0.015 within the East Asian subpopulation in the gnomAD database, including 10 homozygotes. Due to the possibility of sub-clinical presentation and/or lack of phenotype information in this cohort, this frequency does not allow conclusions about variant significance. The c.268C>T has been reported in the literature as a homozygous genotype in multiple individuals affected with features of type 1 CD36 deficiency (example, Kashiwagi_1995, Hames_2014, Masuda_2015, Hanawa_2002). Some of these studies also reported the variant as a heterozygous genotype in individuals with type II CD36 deficiency. These data indicate that the variant is likely to be associated with disease. To our knowledge, no experimental evidence demonstrating an impact on protein function has been reported although one study has reported that this variant leads to CD36 deficiency via a defect in post-translational modification (Kashiwagi_1995). Four submitters have cited clinical-significance assessments for this variant to ClinVar after 2014. The following publications have been ascertained in the context of this evaluation (PMID: 24917573, 7533783, 25798958, 11019968, 11950861). All submitters classified the variant as pathogenic/likely pathogenic citing overlapping evidence utilized in the context of this evaluation. Based on the evidence outlined above, the variant was classified as VUS-possibly pathogenic.

Department of Pathology and Laboratory Medicine, Sinai Health System
Classification: Likely pathogenic for Platelet-type bleeding disorder 10. Last evaluated: 2023-02-02. Review status: criteria provided, single submitter. Criteria: ACMG Guidelines, 2015. Collection method: research. Allele origin: germline.

Laboratory for Molecular Medicine, Mass General Brigham Personalized Medicine
Classification: Pathogenic for Inherited bleeding disorder, platelet-type. Last evaluated: 2020-06-09. Review status: criteria provided, single submitter. Criteria: LMM Criteria. Collection method: clinical testing. Allele origin: germline. Inheritance: Autosomal recessive inheritance. Observed: 4 variant alleles.
Comment: The p.Pro90Ser variant in CD36, previously known as c.478C>T, has been reported in at least 17 homozygous, and 9 compound heterozygous individuals (predominantly individuals of Asian descent) with CD36 deficiency (type I or II, also known as platelet glycoprotein IV deficiency) (Kashiwagi 1995 PMID: 7533783, Yanai 2000a PMID: 11019968, Yanai 2000b PMID: 10946357, Kajihara 2001 PMID: 11718687, Hanawa 2002 PMID: 11950861, Hames 2014 PMID: 24917573, and Masuda 2015 PMID: 25798958). This variant also segregated with disease in 3 family members from 3 families (Yanai 2000a PMID: 11019968, Hanawa 2002 PMID: 11950861, Hames 2014 PMID: 24917573). In vitro functional provide support that this variant confers reduced expression in patient cell lines (Kashiwagi 1995 PMID: 7533783 and Masuda 2015 PMID: 25798958). This variant has also been reported in ClinVar (Variation ID 13535). This variant has been identified in 1.43% (284/19884) of East Asian chromosomes by gnomAD. In summary, the p.Pro90Ser variant meets criteria to be classified as pathogenic for CD36 deficiency in an autosomal recessive manner based upon its occurrence in affected individuals and available functional studies. ACMG/AMP Criteria applied: PM3_Very Strong, PP1, PP3, PS3_Supporting.

Revvity Omics, Revvity
Classification: Likely pathogenic for Platelet-type bleeding disorder 10. Last evaluated: 2019-12-20. Review status: criteria provided, single submitter. Criteria: ACMG Guidelines, 2015. Collection method: clinical testing. Allele origin: germline.

Illumina Laboratory Services, Illumina
Classification: Pathogenic for Platelet-type bleeding disorder 10. Last evaluated: 2016-09-26. Review status: criteria provided, single submitter. Criteria: ICSL Variant Classification Criteria 09 May 2019. Collection method: clinical testing. Allele origin: germline.
Comment: Across a selection of the available literature, the CD36 c.268C>T (p.Pro90Ser) missense variant has been identified in at least 18 individuals with platelet glycoprotein IV deficiency, including in a homozygous state in at least 11 patients, in a compound heterozygous state in at least five patients, in one individual who was homozygous for the p.Pro90Ser variant and heterozygous for an insertion variant, and in one individual who carried the p.Pro90Ser variant, an insertion variant, and an additional missense variant (Kashiwagi H et al. 1993; Yanai H et al. 2000a; Hanawa et al. 2002). The p.Pro90Ser variant was reported in 0-3.5% of controls, but the allele frequencies were significantly higher in patients (24.5-28.6%) (Yanai et al. 2000a; Yanai et al. 2000b). The p.Pro90Ser variant is reported at a frequency of 0.04088 in the Japanese from Tokyo, Japan population of the 1000 Genomes Project. Functional studies showed that the p.Pro90Ser variant prevented maturation of the CD36 protein leading to degradation of the mutated precursor (Kashiwagi et al. 1995). The Pro90 residue is conserved in all members of the CD36 family. Based on the collective evidence, the p.Pro90Ser variant is classified as pathogenic for platelet glycoprotein IV deficiency. This variant was observed by ICSL as part of a predisposition screen in an ostensibly healthy population.

Juno Genomics, Hangzhou Juno Genomics, Inc
Classification: Likely pathogenic for Platelet-type bleeding disorder 10. Review status: criteria provided, single submitter. Criteria: ACMG Guidelines, 2015. Collection method: clinical testing. Allele origin: germline.
Comment: Allele frequency is greater than expected for disorder.;Well-established in vitro or in vivo functional studies supportive of a damaging effect on the gene or gene product.;For recessive disorders, detected in trans with a pathogenic variant.;Patient's phenotype or family history is highly specific for a disease with a single genetic etiology.

Reproductive Health Research and Development, BGI Genomics
Classification: Pathogenic for Platelet glycoprotein IV deficiency. Last evaluated: 2020-01-06. Review status: no assertion criteria provided. Collection method: curation. Allele origin: germline. Not counted in ClinVar's aggregate classification.
Comment: NM_001001547.2:c.268C>T in the CD36 gene has an allele frequency of 0.014 in East Asian subpopulation in the gnomAD database. The c.268C>T (p.Pro90Ser) variant previously known as c.478C>T, has been reported in 5 homozygous, and 3 compound heterozygous individuals (two with 1159A insertion and one with 1447C) with type I CD36 deficiency (PMID: 11950861). In vitro functional provide support that this variant confers reduced expression in patient cell lines (PMID: 25798958; 7533783). Taken together, we interprete this variant as Pathogenic/Likely pathogenic variant. ACMG/AMP Criteria applied: PM3_Strong; PS3; PP4.

OMIM
Classification: Pathogenic for PLATELET GLYCOPROTEIN IV DEFICIENCY. Last evaluated: 2002-04-01. Review status: no assertion criteria provided. Collection method: literature only. Allele origin: germline. Not counted in ClinVar's aggregate classification.

Literature cited by the submitters: PubMed 25798958 (cited by 4 submitters); PubMed 7686693 (cited by 3 submitters); PubMed 11950861 (cited by 5 submitters); PubMed 11352982 (cited by 3billion); PubMed 24917573 (cited by 3 submitters); PubMed 11499670 (cited by Dasa); PubMed 7533783 (cited by 5 submitters); PubMed 11019968 (cited by 3 submitters); PubMed 11718687 (cited by Laboratory for Molecular Medicine, Mass General Brigham Personalized Medicine); PubMed 10946357 (cited by 3 submitters); PubMed 24960640 (cited by Laboratory for Molecular Medicine, Mass General Brigham Personalized Medicine); PubMed 15282206 (cited by Laboratory for Molecular Medicine, Mass General Brigham Personalized Medicine).